The following is an entry in ClinVar:

NM_153033.5(KCTD7):c.758C>T (p.Ser253Leu)

Gene: KCTD7 (potassium channel tetramerization domain containing 7; plus strand). Cytogenetic location: 7q11.21.
Variant type: single nucleotide variant.
Coding change: c.758C>T on transcript NM_153033.5 (MANE Select); coding-DNA position 758, C replaced by T.
Protein change: p.Ser253Leu; replaces serine 253 with leucine.
Molecular consequence: missense variant.
Genome position (GRCh38, 1-based): chr7:66,639,120, C>T. VCF-style: chr7-66639120-C-T. GRCh37 (hg19) VCF-style: chr7-66104107-C-T.
Other names: c.758C>T, p.Ser253Leu (NM_001167961.2); short protein forms S253L.
Identifiers: ClinVar variation 966921 (VCV000966921.5), dbSNP rs761940050, ClinGen allele CA4278322.

ClinVar aggregate classification (germline): Uncertain significance (1 of 4 stars; one submission).

Conditions:
Progressive myoclonic epilepsy type 3. Also called: EPILEPSY, PROGRESSIVE MYOCLONIC, 3, WITHOUT INTRACELLULAR INCLUSIONS; EPILEPSY, PROGRESSIVE MYOCLONIC, 3, WITH OR WITHOUT INTRACELLULAR INCLUSIONS; CEROID LIPOFUSCINOSIS, NEURONAL, 14; KCTD7-Related Progressive Myoclonic Epilepsy. Identifiers: Orphanet 263516, MedGen C2673257, MONDO:0012721, OMIM 611726.

gnomAD v4.1: 19 of 1,614,160 alleles (0.0012%); highest among the groups gnomAD compares: Middle Eastern, 0.12%; no homozygotes.

Submission:

Labcorp Genetics (formerly Invitae), Labcorp
Classification: Uncertain significance for Progressive myoclonic epilepsy type 3. Last evaluated: 2021-10-24. Review status: criteria provided, single submitter. Criteria: Invitae Variant Classification Sherloc (09022015). Collection method: clinical testing. Allele origin: germline.
Comment: This sequence change replaces serine with leucine at codon 253 of the KCTD7 protein (p.Ser253Leu). The serine residue is highly conserved and there is a large physicochemical difference between serine and leucine. This variant is present in population databases (rs761940050, ExAC 0.006%). This variant has not been reported in the literature in individuals affected with KCTD7-related conditions. Algorithms developed to predict the effect of missense changes on protein structure and function are either unavailable or do not agree on the potential impact of this missense change (SIFT: "Deleterious"; PolyPhen-2: "Benign"; Align-GVGD: "Class C0"). In summary, the available evidence is currently insufficient to determine the role of this variant in disease. Therefore, it has been classified as a Variant of Uncertain Significance.